The following is an entry in ClinVar:

NM_000051.4(ATM):c.1065+9del

Gene: ATM (ATM serine/threonine kinase; plus strand). Cytogenetic location: 11q22.3.
Variant type: Deletion.
Coding change: c.1065+9del on transcript NM_000051.4 (MANE Select); 9 bases into the intron after coding-DNA position 1065, one base deleted (A; older notation c.1065+9delA).
Molecular consequence: intron variant.
Genome position (GRCh38, 1-based): chr11:108,247,136, A deleted; the last of 2 consecutive A bases (chr11:108,247,135-108,247,136); deleting either gives the same sequence. VCF-style (leftmost placement, unchanged base first): chr11-108247134-TA-T. GRCh37 (hg19) VCF-style: chr11-108117861-TA-T.
Other names: c.1065+9del (NM_001351834.2).
Identifiers: ClinVar variation 2809564 (VCV002809564.3), dbSNP rs2497183895, ClinGen allele CA2739265968.

ClinVar aggregate classification (germline): Uncertain significance (1 of 4 stars; one submission).

Conditions:
Ataxia-telangiectasia syndrome (AT). Also called: Ataxia-telangiectasia, complementation group E; ATAXIA-TELANGIECTASIA, COMPLEMENTATION GROUP A; ATAXIA-TELANGIECTASIA, FRESNO VARIANT; Ataxia-telangiectasia; LOUIS-BAR SYNDROME; Ataxia-telangiectasia, complementation group D. Identifiers: Orphanet 100, MedGen C0004135, MONDO:0008840, OMIM 208900.

Submission:

Labcorp Genetics (formerly Invitae), Labcorp
Classification: Uncertain significance for Ataxia-telangiectasia syndrome. Last evaluated: 2022-10-27. Review status: criteria provided, single submitter. Criteria: Invitae Variant Classification Sherloc (09022015). Collection method: clinical testing. Allele origin: germline.
Comment: In summary, the available evidence is currently insufficient to determine the role of this variant in disease. Therefore, it has been classified as a Variant of Uncertain Significance. Algorithms developed to predict the effect of sequence changes on RNA splicing suggest that this variant may disrupt the consensus splice site. This variant has not been reported in the literature in individuals affected with ATM-related conditions. This variant is not present in population databases (gnomAD no frequency). This sequence change falls in intron 8 of the ATM gene. It does not directly change the encoded amino acid sequence of the ATM protein.